The following is an entry in ClinVar:

NM_003283.6(TNNT1):c.769C>T (p.Arg257Cys)

Gene: TNNT1 (troponin T1, slow skeletal type; minus strand). Cytogenetic location: 19q13.42.
Variant type: single nucleotide variant.
Coding change: c.769C>T on transcript NM_003283.6 (MANE Select); coding-DNA position 769, C replaced by T.
Protein change: p.Arg257Cys; replaces arginine 257 with cysteine.
Molecular consequence: missense variant.
Genome position (GRCh38, 1-based): chr19:55,133,909, G>A on the plus strand (C>T on the coding strand, the complement: TNNT1 is on the minus strand). VCF-style: chr19-55133909-G-A. GRCh37 (hg19) VCF-style: chr19-55645277-G-A.
Other names: c.721C>T, p.Arg241Cys (NM_001126132.3); c.688C>T, p.Arg230Cys (NM_001126133.3, NM_001291774.2); short protein forms R230C, R241C, R257C.
Identifiers: ClinVar variation 1423671 (VCV001423671.5), dbSNP rs774943217, ClinGen allele CA9667268.

ClinVar aggregate classification (germline): Uncertain significance (1 of 4 stars; one submission).

Conditions:
Nemaline myopathy 5 (NEM5A). Also called: NEMALINE MYOPATHY, AMISH TYPE; NEMALINE MYOPATHY 5A, AUTOSOMAL RECESSIVE, SEVERE INFANTILE; Nemaline myopathy 5, Amish type. Identifiers: Orphanet 98902, MedGen C1854380, MONDO:0011539, OMIM 605355.

Allele frequency attached by ClinVar (database versions not stated): ExAC 0.00001; gnomAD exomes 0.00001; TOPMed 0.00001; gnomAD 0.00002.

Submission:

Labcorp Genetics (formerly Invitae), Labcorp
Classification: Uncertain significance for Nemaline myopathy 5. Last evaluated: 2022-08-11. Review status: criteria provided, single submitter. Criteria: Invitae Variant Classification Sherloc (09022015). Collection method: clinical testing. Allele origin: germline.
Comment: In summary, the available evidence is currently insufficient to determine the role of this variant in disease. Therefore, it has been classified as a Variant of Uncertain Significance. Algorithms developed to predict the effect of missense changes on protein structure and function are either unavailable or do not agree on the potential impact of this missense change (SIFT: "Deleterious"; PolyPhen-2: "Probably Damaging"; Align-GVGD: "Class C0"). ClinVar contains an entry for this variant (Variation ID: 1423671). This variant has not been reported in the literature in individuals affected with TNNT1-related conditions. This variant is present in population databases (rs774943217, gnomAD 0.006%). This sequence change replaces arginine, which is basic and polar, with cysteine, which is neutral and slightly polar, at codon 257 of the TNNT1 protein (p.Arg257Cys).